The following is an entry in ClinVar:

NM_001429.4(EP300):c.4505C>T (p.Pro1502Leu)

Gene: EP300 (EP300 lysine acetyltransferase; plus strand). Cytogenetic location: 22q13.2.
Variant type: single nucleotide variant.
Coding change: c.4505C>T on transcript NM_001429.4 (MANE Select); coding-DNA position 4505, C replaced by T.
Protein change: p.Pro1502Leu; replaces proline 1502 with leucine.
Molecular consequence: missense variant.
Genome position (GRCh38, 1-based): chr22:41,172,551, C>T. VCF-style: chr22-41172551-C-T. GRCh37 (hg19) VCF-style: chr22-41568555-C-T.
Other names: c.4427C>T, p.Pro1476Leu (NM_001362843.2); short protein forms P1502L, P1476L.
Identifiers: ClinVar variation 438291 (VCV000438291.11), dbSNP rs1555911573, ClinGen allele CA411702821.

ClinVar aggregate classification (germline): Uncertain significance. Review status: criteria provided, single submitter (1 of 4 stars). 2 submissions from 2 submitters: Uncertain significance (1). 1 of the submissions does not count toward it. Last evaluated 2018-05-17.

Conditions:
Rubinstein-Taybi syndrome due to EP300 haploinsufficiency. Also called: EP300-Related Rubinstein-Taybi Syndrome; RUBINSTEIN-TAYBI SYNDROME 2. Identifiers: Orphanet 353284, Orphanet 783, MedGen C3150941, MONDO:0013364, OMIM 613684.

Submissions (2):

Labcorp Genetics (formerly Invitae), Labcorp
Classification: Uncertain significance for Rubinstein-Taybi syndrome due to EP300 haploinsufficiency. Last evaluated: 2018-05-17. Review status: criteria provided, single submitter. Criteria: Invitae Variant Classification Sherloc (09022015). Collection method: clinical testing. Allele origin: germline.
Comment: In summary, the available evidence is currently insufficient to determine the role of this variant in disease. Therefore, it has been classified as a Variant of Uncertain Significance. Algorithms developed to predict the effect of missense changes on protein structure and function (SIFT, PolyPhen-2, Align-GVGD) all suggest that this variant is likely to be disruptive, but these predictions have not been confirmed by published functional studies and their clinical significance is uncertain. This variant has not been reported in the literature in individuals with EP300-related disease. ClinVar contains an entry for this variant (Variation ID: 438291). This variant is not present in population databases (ExAC no frequency). This sequence change replaces proline with leucine at codon 1502 of the EP300 protein (p.Pro1502Leu). The proline residue is highly conserved and there is a moderate physicochemical difference between proline and leucine.

Molecular Genetics Laboratory, BC Children's and BC Women's Hospitals
Classification: Likely pathogenic for Rubinstein-Taybi syndrome due to EP300 haploinsufficiency. Last evaluated: 2016-03-23. Review status: no assertion criteria provided. Criteria: ACMG Guidelines, 2015. Collection method: clinical testing. Allele origin: de novo. Affected: yes. Not counted in ClinVar's aggregate classification.